The following is an entry in ClinVar:

NM_000548.5(TSC2):c.1369T>A (p.Ser457Thr)

Gene: TSC2 (TSC complex subunit 2; plus strand). Cytogenetic location: 16p13.3.
Variant type: single nucleotide variant.
Coding change: c.1369T>A on transcript NM_000548.5 (MANE Select); coding-DNA position 1369, T replaced by A.
Protein change: p.Ser457Thr; replaces serine 457 with threonine.
Molecular consequence: missense variant.
Genome position (GRCh38, 1-based): chr16:2,062,979, T>A. VCF-style: chr16-2062979-T-A. GRCh37 (hg19) VCF-style: chr16-2112980-T-A.
Other names: c.1369T>A (NM_000548.3); c.1369T>A, p.Ser457Thr (NM_001077183.3, NM_001114382.3, NM_001363528.2 and 3 more transcripts); c.1258T>A, p.Ser420Thr (NM_001318827.2); c.1222T>A, p.Ser408Thr (NM_001318829.2); c.769T>A, p.Ser257Thr (NM_001318831.2); c.1402T>A, p.Ser468Thr (NM_001318832.2); short protein forms S408T, S468T, S257T, S420T, S457T.
Identifiers: ClinVar variation 1469768 (VCV001469768.10), dbSNP rs2151170866, ClinGen allele CA394323608.

ClinVar aggregate classification (germline): Uncertain significance. Review status: criteria provided, multiple submitters, no conflicts (2 of 4 stars). 3 submissions from 3 submitters: Uncertain significance (3). Last evaluated 2025-09-13.

Conditions:
Tuberous sclerosis syndrome (TSC). Also called: Tuberous sclerosis; Tuberous Sclerosis Complex. Identifiers: Orphanet 805, MedGen C0041341, MONDO:0001734.
Hereditary cancer-predisposing syndrome. Also called: Neoplastic Syndromes, Hereditary; Hereditary Cancer Syndrome; Tumor predisposition; Hereditary neoplastic syndrome. Identifiers: Orphanet 140162, MedGen C0027672, MeSH D009386, MONDO:0015356.
Tuberous sclerosis 2 (TSC2). Identifiers: Orphanet 805, MedGen C1860707, MONDO:0013199, OMIM 613254.

Submissions (3):

Labcorp Genetics (formerly Invitae), Labcorp
Classification: Uncertain significance for Tuberous sclerosis 2. Last evaluated: 2025-09-13. Review status: criteria provided, single submitter. Criteria: Invitae Variant Classification Sherloc (09022015). Collection method: clinical testing. Allele origin: germline.
Comment: This sequence change replaces serine, which is neutral and polar, with threonine, which is neutral and polar, at codon 457 of the TSC2 protein (p.Ser457Thr). This variant is not present in population databases (gnomAD no frequency). This variant has not been reported in the literature in individuals affected with TSC2-related conditions. ClinVar contains an entry for this variant (Variation ID: 1469768). Invitae Evidence Modeling of protein sequence and biophysical properties (such as structural, functional, and spatial information, amino acid conservation, physicochemical variation, residue mobility, and thermodynamic stability) indicates that this missense variant is not expected to disrupt TSC2 protein function with a negative predictive value of 95%. In summary, the available evidence is currently insufficient to determine the role of this variant in disease. Therefore, it has been classified as a Variant of Uncertain Significance.

Ambry Genetics
Classification: Uncertain significance for Hereditary cancer-predisposing syndrome. Last evaluated: 2024-11-07. Review status: criteria provided, single submitter. Criteria: Ambry Variant Classification Scheme 2023. Collection method: clinical testing. Allele origin: germline.
Comment: The p.S457T variant (also known as c.1369T>A), located in coding exon 13 of the TSC2 gene, results from a T to A substitution at nucleotide position 1369. The serine at codon 457 is replaced by threonine, an amino acid with similar properties. This amino acid position is conserved. In addition, this alteration is predicted to be tolerated by in silico analysis. Based on the available evidence, the clinical significance of this variant remains unclear.

All of Us Research Program, National Institutes of Health
Classification: Uncertain significance for Tuberous sclerosis syndrome. Last evaluated: 2023-11-30. Review status: criteria provided, single submitter. Criteria: ACMG Guidelines, 2015. Collection method: clinical testing. Allele origin: germline. Inheritance: Autosomal dominant inheritance. Observed: 1 variant allele, 1 heterozygote.
Comment: This study involves interpretation of variants in research participants for the purpose of population health screening. Participant phenotype was not available at the time of variant classification. Additional details can be found in publication PMID: 35346344, PMCID: PMC8962531